The following is an entry in ClinVar:

ClinVar aggregate classification (germline): Uncertain significance (0 of 4 stars; one submission).

Conditions:
ABCC2-related disorder. Also called: ABCC2-related condition.

Allele frequency attached by ClinVar (database versions not stated): gnomAD exomes below 0.00001.
gnomAD v4.1: 1 of 1,614,186 alleles (0.000062%); highest among the groups gnomAD compares: Middle Eastern, 0.016%; no homozygotes.

Submission:

PreventionGenetics, part of Exact Sciences
Classification: Uncertain significance for ABCC2-related condition. Last evaluated: 2024-01-18. Review status: no assertion criteria provided. Collection method: clinical testing. Allele origin: germline.
Comment: The ABCC2 c.3893G>A variant is predicted to result in the amino acid substitution p.Gly1298Asp. To our knowledge, this variant has not been reported in the literature or in a large population database, indicating this variant is rare. At this time, the clinical significance of this variant is uncertain due to the absence of conclusive functional and genetic evidence.

NM_000392.5(ABCC2):c.3893G>A (p.Gly1298Asp)

Gene: ABCC2 (ATP binding cassette subfamily C member 2; plus strand). Cytogenetic location: 10q24.2.
Variant type: single nucleotide variant.
Coding change: c.3893G>A on transcript NM_000392.5 (MANE Select); coding-DNA position 3893, G replaced by A.
Protein change: p.Gly1298Asp; replaces glycine 1298 with aspartic acid.
Molecular consequence: missense variant.
Genome position (GRCh38, 1-based): chr10:99,844,371, G>A. VCF-style: chr10-99844371-G-A. GRCh37 (hg19) VCF-style: chr10-101604128-G-A.
Other names: short protein forms G1298D.
Identifiers: ClinVar variation 3031773 (VCV003031773.2), dbSNP rs2038986330, ClinGen allele CA378126743.